The following is an entry in ClinVar:

NM_001868.4(CPA1):c.571T>A (p.Trp191Arg)

Gene: CPA1 (carboxypeptidase A1; plus strand). Cytogenetic location: 7q32.2.
Variant type: single nucleotide variant.
Coding change: c.571T>A on transcript NM_001868.4 (MANE Select); coding-DNA position 571, T replaced by A.
Protein change: p.Trp191Arg; replaces tryptophan 191 with arginine.
Molecular consequence: missense variant.
Genome position (GRCh38, 1-based): chr7:130,383,478, T>A. VCF-style: chr7-130383478-T-A. GRCh37 (hg19) VCF-style: chr7-130023319-T-A.
Other names: short protein forms W191R.
Identifiers: ClinVar variation 4869379 (VCV004869379.1).

ClinVar aggregate classification (germline): Uncertain significance (1 of 4 stars; one submission).

Conditions:
Hereditary pancreatitis (PCTT). Also called: Hereditary chronic pancreatitis; PRSS1-Related Hereditary Pancreatitis. Identifiers: Orphanet 676, MedGen C0238339, MONDO:0008185, OMIM 167800.

Submission:

Ambry Genetics
Classification: Uncertain significance for Hereditary pancreatitis. Last evaluated: 2026-05-22. Review status: criteria provided, single submitter. Criteria: Ambry Variant Classification Scheme 2023. Collection method: clinical testing. Allele origin: germline.
Comment: The p.W191R variant (also known as c.571T>A), located in coding exon 5 of the CPA1 gene, results from a T to A substitution at nucleotide position 571. The tryptophan at codon 191 is replaced by arginine, an amino acid with dissimilar properties. This amino acid position is conserved. In addition, this alteration is predicted to be deleterious by in silico analysis. Based on the available evidence, the clinical significance of this variant remains unclear.